The following is an entry in ClinVar:

NM_015102.5(NPHP4):c.1206T>C (p.Ser402=)

Gene: NPHP4 (nephrocystin 4; minus strand). Cytogenetic location: 1p36.31.
Variant type: single nucleotide variant.
Coding change: c.1206T>C on transcript NM_015102.5 (MANE Select); coding-DNA position 1206, T replaced by C.
Protein change: p.Ser402=; no amino-acid change (serine 402 retained).
Molecular consequence: synonymous variant. On other transcripts: 5 prime UTR variant (2), non-coding transcript variant (1).
Genome position (GRCh38, 1-based): chr1:5,933,243, A>G on the plus strand (T>C on the coding strand, the complement: NPHP4 is on the minus strand). VCF-style: chr1-5933243-A-G. GRCh37 (hg19) VCF-style: chr1-5993303-A-G.
Other names: c.-161T>C (NM_001291593.2, NM_001291594.2).
Identifiers: ClinVar variation 3034566 (VCV003034566.4), dbSNP rs1226002489, ClinGen allele CA415786768.

ClinVar aggregate classification (germline): Likely benign. Review status: criteria provided, single submitter (1 of 4 stars). 2 submissions from 2 submitters: Likely benign (1). 1 of the submissions does not count toward it. Last evaluated 2024-07-10.

Conditions:
Nephronophthisis. Also called: Juvenile Nephronophthisis. Identifiers: Orphanet 655, MedGen C0687120, MONDO:0019005, HP:0000090.
NPHP4-related disorder. Also called: NPHP4-related condition; NPHP4-related disorders. Identifiers: MedGen CN239384.

Allele frequency attached by ClinVar (database versions not stated): gnomAD exomes below 0.00001; TOPMed below 0.00001.
gnomAD v4.1: 5 of 1,613,906 alleles (0.00031%); highest among the groups gnomAD compares: Middle Eastern, 0.017%; no homozygotes.

Submissions (2):

Labcorp Genetics (formerly Invitae), Labcorp
Classification: Likely benign for Nephronophthisis. Last evaluated: 2024-07-10. Review status: criteria provided, single submitter. Criteria: Invitae Variant Classification Sherloc (09022015). Collection method: clinical testing. Allele origin: germline.

PreventionGenetics, part of Exact Sciences
Classification: Likely benign for NPHP4-related condition. Last evaluated: 2019-08-12. Review status: no assertion criteria provided. Collection method: clinical testing. Allele origin: germline. Not counted in ClinVar's aggregate classification.
Comment: This variant is classified as likely benign based on ACMG/AMP sequence variant interpretation guidelines (Richards et al. 2015 PMID: 25741868, with internal and published modifications).